The following is an entry in ClinVar:

NM_004006.3(DMD):c.9432del (p.Met3145fs)

Gene: DMD (dystrophin; minus strand). Cytogenetic location: Xp21.2.
Variant type: Deletion.
Coding change: c.9432del on transcript NM_004006.3 (MANE Select); coding-DNA position 9432, one base deleted (C; older notation c.9432delC).
Protein change: p.Met3145fs; shifts the reading frame from methionine 3145.
Molecular consequence: frameshift variant.
Genome position (GRCh38, 1-based): chrX:31,209,629, G deleted on the plus strand (C on the coding strand, the reverse complement: DMD is on the minus strand); the first of 3 consecutive G bases (chrX:31,209,629-31,209,631); deleting any one gives the same sequence. VCF-style (leftmost placement, unchanged base first): chrX-31209628-TG-T. GRCh37 (hg19) VCF-style: chrX-31227745-TG-T.
Other names: c.9408del, p.Met3137fs (NM_000109.4); c.9420del, p.Met3141fs (NM_004009.3); c.9063del, p.Met3022fs (NM_004010.3); c.5409del, p.Met1804fs (NM_004011.4); c.5400del, p.Met1801fs (NM_004012.4); c.2052del, p.Met685fs (NM_004013.3, NM_004020.4, NM_004021.3 and 2 more transcripts); c.1245del, p.Met416fs (NM_004014.3); c.228del, p.Met77fs (NM_004015.3, NM_004016.3, NM_004017.3 and 2 more transcripts); short protein forms M1801fs, M3141fs, M685fs, M77fs, M3022fs, M3137fs, M3145fs, M1804fs.
Identifiers: ClinVar variation 864790 (VCV000864790.10), dbSNP rs2044445392, ClinGen allele CA916081249.
Genomic context (GRCh38, chrX:31,209,628, plus strand): 5'-GCTCTTGCTCCAGGCGGTCATAAATAGTGGTCAAACAATTAATAATCTGCAGGATATCCA[TG>T]GGCTGGTCATTTTGCTTGAGGTTGTGCTGGTCCAAGGCATCACATGCAGCTGACAGGCTC-3'

ClinVar aggregate classification (germline): Pathogenic (1 of 4 stars; one submission).

Conditions:
Duchenne muscular dystrophy (DMD). Also called: Duchenne Muscular Dystrophy (DMD); MUSCULAR DYSTROPHY, PSEUDOHYPERTROPHIC PROGRESSIVE, DUCHENNE TYPE. Identifiers: Orphanet 98896, MedGen C0013264, MONDO:0010679, OMIM 310200.

Submission:

Labcorp Genetics (formerly Invitae), Labcorp
Classification: Pathogenic for Duchenne muscular dystrophy. Last evaluated: 2019-03-28. Review status: criteria provided, single submitter. Criteria: Invitae Variant Classification Sherloc (09022015). Collection method: clinical testing. Allele origin: germline.
Comment: This variant is not present in population databases (ExAC no frequency). This sequence change creates a premature translational stop signal (p.Met3145Trpfs*10) in the DMD gene. It is expected to result in an absent or disrupted protein product. This variant has been observed in a family affected with Duchenne muscular dystrophy (PMID: 7951251). Loss-of-function variants in DMD are known to be pathogenic (PMID: 16770791, 25007885). For these reasons, this variant has been classified as Pathogenic.

Literature cited by the submitters: PubMed 7951251; PubMed 16770791; PubMed 25007885.